The following is an entry in ClinVar:

ClinVar aggregate classification (germline): Uncertain significance. Review status: criteria provided, multiple submitters, no conflicts (2 of 4 stars). 2 submissions from 2 submitters: Uncertain significance (2). Last evaluated 2020-11-02.

Conditions:
Inborn genetic diseases. Identifiers: MedGen C0950123, MeSH D030342.
Hereditary sensory and autonomic neuropathy type 6. Also called: HSAN VI; Neuropathy, hereditary sensory and autonomic, type VI. Identifiers: Orphanet 314381, MedGen C3539003, MONDO:0013839, OMIM 614653.
Epidermolysis bullosa simplex 3, localized or generalized intermediate, with BP230 deficiency (EBS3). Also called: Epidermolysis bullosa simplex, autosomal recessive 2; Epidermolysis bullosa simplex due to BP230 deficiency. Identifiers: Orphanet 412181, MedGen C3809470, MONDO:0014180, OMIM 615425.

Allele frequency attached by ClinVar (database versions not stated): gnomAD exomes below 0.00001; ExAC 0.00001; gnomAD 0.00001; TOPMed 0.00002.
gnomAD v4.1: 11 of 1,613,816 alleles (0.00068%); highest among the groups gnomAD compares: African/African-American, 0.0027%; 1 homozygote.

Submissions (2):

Ambry Genetics
Classification: Uncertain significance for Inborn genetic diseases. Last evaluated: 2020-11-02. Review status: criteria provided, single submitter. Criteria: Ambry Variant Classification Scheme 2023. Collection method: clinical testing. Allele origin: germline.
Comment: The p.P1322R variant (also known as c.3965C>G), located in coding exon 29 of the DST gene, results from a C to G substitution at nucleotide position 3965. The proline at codon 1322 is replaced by arginine, an amino acid with dissimilar properties. This amino acid position is well conserved in available vertebrate species. In addition, the in silico prediction for this alteration is inconclusive. Since supporting evidence is limited at this time, the clinical significance of this alteration remains unclear.

Labcorp Genetics (formerly Invitae), Labcorp
Classification: Uncertain significance for Epidermolysis bullosa simplex 3, localized or generalized intermediate, with BP230 deficiency; Hereditary sensory and autonomic neuropathy type 6. Last evaluated: 2019-06-17. Review status: criteria provided, single submitter. Criteria: Invitae Variant Classification Sherloc (09022015). Collection method: clinical testing. Allele origin: germline.
Comment: In summary, the available evidence is currently insufficient to determine the role of this variant in disease. Therefore, it has been classified as a Variant of Uncertain Significance. Algorithms developed to predict the effect of missense changes on protein structure and function (SIFT, PolyPhen-2, Align-GVGD) all suggest that this variant is likely to be disruptive, but these predictions have not been confirmed by published functional studies and their clinical significance is uncertain. This variant has not been reported in the literature in individuals with DST-related conditions. This variant is present in population databases (rs369954504, ExAC 0.01%). This sequence change replaces proline with arginine at codon 818 of the DST protein (p.Pro818Arg). The proline residue is highly conserved and there is a moderate physicochemical difference between proline and arginine.

NM_001374736.1(DST):c.4064C>G (p.Pro1355Arg)

Gene: DST (dystonin; minus strand). Cytogenetic location: 6p12.1.
Variant type: single nucleotide variant.
Coding change: c.4064C>G on transcript NM_001374736.1 (MANE Select); coding-DNA position 4064, C replaced by G.
Protein change: p.Pro1355Arg; replaces proline 1355 with arginine.
Molecular consequence: missense variant.
Genome position (GRCh38, 1-based): chr6:56,631,289, G>C on the plus strand (C>G on the coding strand, the complement: DST is on the minus strand). VCF-style: chr6-56631289-G-C. GRCh37 (hg19) VCF-style: chr6-56496087-G-C.
Other names: c.3965C>G, p.Pro1322Arg (NM_001144769.5); c.3551C>G, p.Pro1184Arg (NM_001144770.2); c.4064C>G, p.Pro1355Arg (NM_001374722.1); c.3431C>G, p.Pro1144Arg (NM_001374729.1, NM_001374730.1, NM_001386100.1 and 1 more transcripts); c.4091C>G, p.Pro1364Arg (NM_001374734.1); c.2453C>G, p.Pro818Arg (NM_001723.7, NM_015548.5); short protein forms P1322R, P1144R, P1184R, P1355R, P1364R, P818R.
Identifiers: ClinVar variation 936788 (VCV000936788.12), dbSNP rs369954504, ClinGen allele CA3870985.